The following is an entry in ClinVar:

ClinVar aggregate classification (germline): Uncertain significance (1 of 4 stars; one submission).

Allele frequency attached by ClinVar (database versions not stated): ExAC 0.00001.

Submission:

Ambry Genetics
Classification: Uncertain significance. Last evaluated: 2023-07-27. Review status: criteria provided, single submitter. Criteria: Ambry Variant Classification Scheme 2023. Collection method: clinical testing. Allele origin: germline.
Comment: The p.Q410R variant (also known as c.1229A>G), located in coding exon 11 of the RAD54L gene, results from an A to G substitution at nucleotide position 1229. The glutamine at codon 410 is replaced by arginine, an amino acid with highly similar properties. This amino acid position is conserved. In addition, the in silico prediction for this alteration is inconclusive. Since supporting evidence is limited at this time, the clinical significance of this alteration remains unclear.

NM_003579.4(RAD54L):c.1229A>G (p.Gln410Arg)

Gene: RAD54L (RAD54 like; plus strand). Cytogenetic location: 1p34.1.
Variant type: single nucleotide variant.
Coding change: c.1229A>G on transcript NM_003579.4 (MANE Select); coding-DNA position 1229, A replaced by G.
Protein change: p.Gln410Arg; replaces glutamine 410 with arginine.
Molecular consequence: missense variant.
Genome position (GRCh38, 1-based): chr1:46,272,525, A>G. VCF-style: chr1-46272525-A-G. GRCh37 (hg19) VCF-style: chr1-46738197-A-G.
Other names: c.1229A>G, p.Gln410Arg (NM_001142548.2); c.689A>G, p.Gln230Arg (NM_001370766.1); short protein forms Q410R, Q230R.
Identifiers: ClinVar variation 2594715 (VCV002594715.2), dbSNP rs753983420, ClinGen allele CA834537.
Genomic context (GRCh38, chr1:46,272,525, plus strand): 5'-GATGCCTGATACGGAGGACTTCTGATATCCTTTCTAAATATCTGCCTGTGAAGATTGAGC[A>G]GGTCGTTTGTTGTAGGTACTGAACTCAACTGAAAGATGTGGAGTGGGTCAAAGCCTAGCT-3'
Protein context (NP_003570.2, residues 400-420): LSKYLPVKIE[Gln410Arg]VVCCRLTPLQ